The following is an entry in ClinVar:

ClinVar aggregate classification (germline): Conflicting classifications of pathogenicity. Review status: criteria provided, conflicting classifications (1 of 4 stars). 7 submissions from 7 submitters: Uncertain significance (6); Likely benign (1). Last evaluated 2024-01-02.

Conditions:
Inborn genetic diseases. Identifiers: MedGen C0950123, MeSH D030342.
Xeroderma pigmentosum, group E (XPE). Also called: Xeroderma pigmentosum, complementation group E; Xeroderma pigmentosum, complementation group E, DDB-negative form; DDB2-Related Xeroderma Pigmentosum; Xeroderma pigmentosum, group E, DDB-negative subtype; XERODERMA PIGMENTOSUM V; XP, GROUP E. Identifiers: Orphanet 910, MedGen C1848411, MONDO:0010213, OMIM 278740.
Xeroderma pigmentosum (XP). Identifiers: Orphanet 910, MedGen C0043346, MONDO:0019600.

Allele frequency attached by ClinVar (database versions not stated): TOPMed 0.00014; ESP Exome Variant Server 0.00015; gnomAD 0.00015 and 0.00016; gnomAD exomes 0.00018 and 0.00019; ExAC 0.00021.
gnomAD v4.1: 295 of 1,613,942 alleles (0.018%); highest among the groups gnomAD compares: Non-Finnish European, 0.024%; 1 homozygote.

Submissions (7):

Fulgent Genetics
Classification: Uncertain significance for Xeroderma pigmentosum, group E. Last evaluated: 2024-01-02. Review status: criteria provided, single submitter. Criteria: ACMG Guidelines, 2015. Collection method: clinical testing. Allele origin: germline.

Department of Pathology and Laboratory Medicine, Sinai Health System
Classification: Uncertain significance for xeroderma pigmentosum group E. Last evaluated: 2022-11-14. Review status: criteria provided, single submitter. Criteria: ACMG Guidelines, 2015. Collection method: research. Allele origin: germline.

Labcorp Genetics (formerly Invitae), Labcorp
Classification: Uncertain significance. Last evaluated: 2022-05-03. Review status: criteria provided, single submitter. Criteria: Invitae Variant Classification Sherloc (09022015). Collection method: clinical testing. Allele origin: germline.
Comment: This sequence change replaces arginine, which is basic and polar, with lysine, which is basic and polar, at codon 20 of the DDB2 protein (p.Arg20Lys). The frequency data for this variant in the population databases is considered unreliable, as metrics indicate poor data quality at this position in the gnomAD database. This variant has not been reported in the literature in individuals affected with DDB2-related conditions. ClinVar contains an entry for this variant (Variation ID: 878228). Algorithms developed to predict the effect of missense changes on protein structure and function output the following: SIFT: "Tolerated"; PolyPhen-2: "Benign"; Align-GVGD: "Class C0". The lysine amino acid residue is found in multiple mammalian species, which suggests that this missense change does not adversely affect protein function. In summary, the available evidence is currently insufficient to determine the role of this variant in disease. Therefore, it has been classified as a Variant of Uncertain Significance.

Institute for Clinical Genetics, University Hospital TU Dresden, University Hospital TU Dresden
Classification: Uncertain significance. Last evaluated: 2021-11-03. Review status: criteria provided, single submitter. Criteria: ACMG Guidelines, 2015. Collection method: clinical testing. Allele origin: germline.

Ambry Genetics
Classification: Likely benign for Inborn genetic diseases. Last evaluated: 2021-10-05. Review status: criteria provided, single submitter. Criteria: Ambry Variant Classification Scheme 2023. Collection method: clinical testing. Allele origin: germline.

Sema4
Classification: Uncertain significance for Xeroderma pigmentosum. Last evaluated: 2021-09-04. Review status: criteria provided, single submitter. Criteria: Sema4 Curation Guidelines. Collection method: curation. Allele origin: germline.
Comment: The DDB2 c.59G>A (p.R20K) variant has not been reported in the literature to our knowledge. It was observed in 46/126664 chromosomes of the Non-Finnish European subpopulation, with no homozygotes, in the large and broad cohorts of the Genome Aggregation Database (PMID: 32461654). Functional studies have not been performed, and in silico predictions of the variant's effect on protein function are inconclusive. The evidence is insufficient to meet ACMG/AMP criteria for classifying the variant as benign or pathogenic. Thus, the clinical significance of this variant is currently uncertain.

Illumina Laboratory Services, Illumina
Classification: Uncertain significance for Xeroderma pigmentosum, group E. Last evaluated: 2018-01-12. Review status: criteria provided, single submitter. Criteria: ICSL Variant Classification Criteria 13 December 2019. Collection method: clinical testing. Allele origin: germline.

NM_000107.3(DDB2):c.59G>A (p.Arg20Lys)

Genes: DDB2 (damage specific DNA binding protein 2; plus strand), LOC126861205 (MED14-independent group 3 enhancer GRCh37_chr11:47236089-47237288; plus strand). Cytogenetic location: 11p11.2.
Variant type: single nucleotide variant.
Coding change: c.59G>A on transcript NM_000107.3 (MANE Select); coding-DNA position 59, G replaced by A.
Protein change: p.Arg20Lys; replaces arginine 20 with lysine.
Molecular consequence: missense variant.
Genome position (GRCh38, 1-based): chr11:47,215,195, G>A. VCF-style: chr11-47215195-G-A. GRCh37 (hg19) VCF-style: chr11-47236746-G-A.
Other names: c.59G>A, p.Arg20Lys (NM_001300734.2); short protein forms R20K.
Identifiers: ClinVar variation 878228 (VCV000878228.12), dbSNP rs373622283, ClinGen allele CA5972396.